The following is an entry in ClinVar:

NM_001387430.1(SH2B1):c.111G>T (p.Ala37=)

Gene: SH2B1 (SH2B adaptor protein 1; plus strand). Cytogenetic location: 16p11.2.
Variant type: single nucleotide variant.
Coding change: c.111G>T on transcript NM_001387430.1 (MANE Select); coding-DNA position 111, G replaced by T.
Protein change: p.Ala37=; no amino-acid change (alanine 37 retained).
Molecular consequence: synonymous variant. On other transcripts: intron variant (1).
Genome position (GRCh38, 1-based): chr16:28,866,205, G>T. VCF-style: chr16-28866205-G-T. GRCh37 (hg19) VCF-style: chr16-28877526-G-T.
Other names: c.111G>T (NM_001145795.1); c.111G>T, p.Ala37= (NM_001145795.2, NM_001145796.2, NM_001145797.2 and 4 more transcripts); c.-26-1169G>T (NM_001308294.2).
Identifiers: ClinVar variation 2889595 (VCV002889595.5), dbSNP rs528015738, ClinGen allele CA7985849.

ClinVar aggregate classification (germline): Likely benign. Review status: criteria provided, single submitter (1 of 4 stars). 2 submissions from 2 submitters: Likely benign (1). 1 of the submissions does not count toward it. Last evaluated 2024-01-07.

Conditions:
SH2B1-related disorder. Also called: SH2B1-related condition.

Submissions (2):

Labcorp Genetics (formerly Invitae), Labcorp
Classification: Likely benign. Last evaluated: 2024-01-07. Review status: criteria provided, single submitter. Criteria: Invitae Variant Classification Sherloc (09022015). Collection method: clinical testing. Allele origin: germline.

PreventionGenetics, part of Exact Sciences
Classification: Likely benign for SH2B1-related condition. Last evaluated: 2022-11-15. Review status: no assertion criteria provided. Collection method: clinical testing. Allele origin: germline. Not counted in ClinVar's aggregate classification.
Comment: This variant is classified as likely benign based on ACMG/AMP sequence variant interpretation guidelines (Richards et al. 2015 PMID: 25741868, with internal and published modifications).